The following is an entry in ClinVar:

NM_004360.5(CDH1):c.369C>T (p.His123=)

Gene: CDH1 (cadherin 1; plus strand). Cytogenetic location: 16q22.1.
Variant type: single nucleotide variant.
Coding change: c.369C>T on transcript NM_004360.5 (MANE Select); coding-DNA position 369, C replaced by T.
Protein change: p.His123=; no amino-acid change (histidine 123 retained).
Molecular consequence: synonymous variant. On other transcripts: 5 prime UTR variant (2).
Genome position (GRCh38, 1-based): chr16:68,801,875, C>T. VCF-style: chr16-68801875-C-T. GRCh37 (hg19) VCF-style: chr16-68835778-C-T.
Other names: c.369C>T, p.His123= (NM_001317184.2); c.-1247C>T (NM_001317185.2); c.-1451C>T (NM_001317186.2).
Identifiers: ClinVar variation 3378716 (VCV003378716.1).

ClinVar aggregate classification (germline): Benign (1 of 4 stars; one submission).

Conditions:
Hereditary diffuse gastric adenocarcinoma (HDGC). Also called: DIFFUSE GASTRIC AND LOBULAR BREAST CANCER SYNDROME. Identifiers: Orphanet 26106, MedGen C1708349, MONDO:0007648, OMIM 137215.

gnomAD v4.1: 1 of 1,613,680 alleles (0.000062%); highest among the groups gnomAD compares: Non-Finnish European, 0.000085%; no homozygotes.

Submission:

Myriad Genetics, Inc.
Classification: Benign for Hereditary diffuse gastric adenocarcinoma. Last evaluated: 2024-09-12. Review status: criteria provided, single submitter. Criteria: Myriad Autosomal Dominant, Autosomal Recessive and X-Linked Classification Criteria (2023). Collection method: clinical testing. Allele origin: unknown.
Comment: This variant is considered benign. This variant is a silent/synonymous amino acid change and it is not expected to impact splicing.